The following is an entry in ClinVar:

NM_003737.4(DCHS1):c.7525G>A (p.Ala2509Thr)

Gene: DCHS1 (dachsous cadherin-related 1; minus strand). Cytogenetic location: 11p15.4.
Variant type: single nucleotide variant.
Coding change: c.7525G>A on transcript NM_003737.4 (MANE Select); coding-DNA position 7525, G replaced by A.
Protein change: p.Ala2509Thr; replaces alanine 2509 with threonine.
Molecular consequence: missense variant.
Genome position (GRCh38, 1-based): chr11:6,624,151, C>T on the plus strand (G>A on the coding strand, the complement: DCHS1 is on the minus strand). VCF-style: chr11-6624151-C-T. GRCh37 (hg19) VCF-style: chr11-6645382-C-T.
Other names: short protein forms A2509T.
Identifiers: ClinVar variation 2995959 (VCV002995959.3), dbSNP rs1266755420, ClinGen allele CA379482910.

ClinVar aggregate classification (germline): Uncertain significance (1 of 4 stars; one submission).

Allele frequency attached by ClinVar (database versions not stated): TOPMed below 0.00001; gnomAD 0.00001.
gnomAD v4.1: 28 of 1,612,240 alleles (0.0017%); highest among the groups gnomAD compares: Non-Finnish European, 0.0022%; no homozygotes.

Submission:

Labcorp Genetics (formerly Invitae), Labcorp
Classification: Uncertain significance. Last evaluated: 2025-07-27. Review status: criteria provided, single submitter. Criteria: Invitae Variant Classification Sherloc (09022015). Collection method: clinical testing. Allele origin: germline.
Comment: This sequence change replaces alanine, which is neutral and non-polar, with threonine, which is neutral and polar, at codon 2509 of the DCHS1 protein (p.Ala2509Thr). This variant is not present in population databases (gnomAD no frequency). This variant has not been reported in the literature in individuals affected with DCHS1-related conditions. ClinVar contains an entry for this variant (Variation ID: 2995959). Invitae Evidence Modeling of protein sequence and biophysical properties (such as structural, functional, and spatial information, amino acid conservation, physicochemical variation, residue mobility, and thermodynamic stability) indicates that this missense variant is not expected to disrupt DCHS1 protein function with a negative predictive value of 80%. In summary, the available evidence is currently insufficient to determine the role of this variant in disease. Therefore, it has been classified as a Variant of Uncertain Significance.